The following is an entry in ClinVar:

NM_000171.4(GLRA1):c.342C>A (p.Asp114Glu)

Gene: GLRA1 (glycine receptor alpha 1; minus strand). Cytogenetic location: 5q33.1.
Variant type: single nucleotide variant.
Coding change: c.342C>A on transcript NM_000171.4 (MANE Select); coding-DNA position 342, C replaced by A.
Protein change: p.Asp114Glu; replaces aspartic acid 114 with glutamic acid.
Molecular consequence: missense variant.
Genome position (GRCh38, 1-based): chr5:151,859,919, G>T on the plus strand (C>A on the coding strand, the complement: GLRA1 is on the minus strand). VCF-style: chr5-151859919-G-T. GRCh37 (hg19) VCF-style: chr5-151239480-G-T.
Other names: c.342C>A, p.Asp114Glu (NM_001146040.2); c.93C>A, p.Asp31Glu (NM_001292000.2); short protein forms D114E, D31E.
Identifiers: ClinVar variation 581491 (VCV000581491.10), dbSNP rs1224142581, ClinGen allele CA361841786.
Genomic context (GRCh38, chr5:151,859,919, plus strand): 5'-GGCCCCCTTCTCGTTGGCAAAGAACAGGTCAGGTTTCCAGATGGAGTCCAGCATGGATGG[G>T]TCCAGGTCCAGAGAGTCGTCAGGGTATTCATTATAGGCCAGGCGGGGGTCGTTCCATTGC-3'
Protein context (NP_000162.2, residues 104-124): NEYPDDSLDL[Asp114Glu]PSMLDSIWKP

ClinVar aggregate classification (germline): Uncertain significance (1 of 4 stars; one submission).

Conditions:
Hereditary hyperekplexia. Identifiers: Orphanet 3197, MedGen C4084968, MONDO:0021022.

Allele frequency attached by ClinVar (database versions not stated): gnomAD exomes below 0.00001; TOPMed below 0.00001; gnomAD 0.00001.
gnomAD v4.1: 2 of 1,613,822 alleles (0.00012%); highest among the groups gnomAD compares: African/African-American, 0.0027%; no homozygotes.

Submission:

Labcorp Genetics (formerly Invitae), Labcorp
Classification: Uncertain significance for Hereditary hyperekplexia. Last evaluated: 2022-08-23. Review status: criteria provided, single submitter. Criteria: Invitae Variant Classification Sherloc (09022015). Collection method: clinical testing. Allele origin: germline.
Comment: This variant is present in population databases (no rsID available, gnomAD 0.007%). This variant has not been reported in the literature in individuals affected with GLRA1-related conditions. ClinVar contains an entry for this variant (Variation ID: 581491). Algorithms developed to predict the effect of missense changes on protein structure and function are either unavailable or do not agree on the potential impact of this missense change (SIFT: "Tolerated"; PolyPhen-2: "Probably Damaging"; Align-GVGD: "Class C0"). In summary, the available evidence is currently insufficient to determine the role of this variant in disease. Therefore, it has been classified as a Variant of Uncertain Significance. This sequence change replaces aspartic acid, which is acidic and polar, with glutamic acid, which is acidic and polar, at codon 114 of the GLRA1 protein (p.Asp114Glu).